The following is an entry in ClinVar:

NM_001367624.2(ZNF469):c.8182C>T (p.Arg2728Trp)

Gene: ZNF469 (zinc finger protein 469; plus strand). Cytogenetic location: 16q24.2.
Variant type: single nucleotide variant.
Coding change: c.8182C>T on transcript NM_001367624.2 (MANE Select); coding-DNA position 8182, C replaced by T.
Protein change: p.Arg2728Trp; replaces arginine 2728 with tryptophan.
Molecular consequence: missense variant.
Genome position (GRCh38, 1-based): chr16:88,435,652, C>T. VCF-style: chr16-88435652-C-T. GRCh37 (hg19) VCF-style: chr16-88502060-C-T.
Other names: NM_001127464.1:c.8098C>T; short protein forms R2728W.
Identifiers: ClinVar variation 1525066 (VCV001525066.9), dbSNP rs143073976, ClinGen allele CA8225312.

ClinVar aggregate classification (germline): Conflicting classifications of pathogenicity. Review status: criteria provided, conflicting classifications (1 of 4 stars). 4 submissions from 4 submitters: Uncertain significance (2); Likely benign (2). Last evaluated 2026-03-16.

Conditions:
Cardiovascular phenotype. Identifiers: MedGen CN230736.

Allele frequency attached by ClinVar (database versions not stated): ExAC 0.00005.
gnomAD v4.1: 102 of 1,550,352 alleles (0.0066%); highest among the groups gnomAD compares: Non-Finnish European, 0.0085%; no homozygotes.

Submissions (4):

Women's Health and Genetics/Laboratory Corporation of America, LabCorp
Classification: Uncertain significance. Last evaluated: 2026-03-16. Review status: criteria provided, single submitter. Criteria: LabCorp Variant Classification Summary - May 2015. Collection method: clinical testing. Allele origin: germline.
Comment: Variant summary: ZNF469 c.8182C>T (p.Arg2728Trp) results in a non-conservative amino acid change in the encoded protein sequence. Algorithms developed to predict the effect of missense changes on protein structure and function are either unavailable or do not agree on the potential impact of this missense change. The variant allele was found at a frequency of 5.2e-05 in 153932 control chromosomes. The available data on variant occurrences in the general population are insufficient to allow any conclusion about variant significance. To our knowledge, no occurrence of c.8182C>T in individuals affected with ZNF469-related conditions and no experimental evidence demonstrating its impact on protein function have been reported. ClinVar contains an entry for this variant (Variation ID: 1525066). Based on the evidence outlined above, the variant was classified as uncertain significance.

Labcorp Genetics (formerly Invitae), Labcorp
Classification: Uncertain significance. Last evaluated: 2021-12-21. Review status: criteria provided, single submitter. Criteria: Invitae Variant Classification Sherloc (09022015). Collection method: clinical testing. Allele origin: germline.
Comment: This sequence change replaces arginine, which is basic and polar, with tryptophan, which is neutral and slightly polar, at codon 2700 of the ZNF469 protein (p.Arg2700Trp). This variant is present in population databases (rs143073976, gnomAD 0.01%). This variant has not been reported in the literature in individuals affected with ZNF469-related conditions. Algorithms developed to predict the effect of missense changes on protein structure and function output the following: SIFT: "Tolerated"; PolyPhen-2: "Benign"; Align-GVGD: "Class C0". The tryptophan amino acid residue is found in multiple mammalian species, which suggests that this missense change does not adversely affect protein function. In summary, the available evidence is currently insufficient to determine the role of this variant in disease. Therefore, it has been classified as a Variant of Uncertain Significance.

Ambry Genetics
Classification: Likely benign for Cardiovascular phenotype. Last evaluated: 2021-10-29. Review status: criteria provided, single submitter. Criteria: Ambry Variant Classification Scheme 2023. Collection method: clinical testing. Allele origin: germline.

Blueprint Genetics
Classification: Likely benign. Last evaluated: 2021-03-23. Review status: criteria provided, single submitter. Criteria: ACMG Guidelines, 2015. Collection method: clinical testing. Allele origin: germline.